The following is an entry in ClinVar:

NM_001256789.3(CACNA1F):c.3332T>C (p.Ile1111Thr)

Gene: CACNA1F (calcium voltage-gated channel subunit alpha1 F; minus strand). Cytogenetic location: Xp11.23.
Variant type: single nucleotide variant.
Coding change: c.3332T>C on transcript NM_001256789.3 (MANE Select); coding-DNA position 3332, T replaced by C.
Protein change: p.Ile1111Thr; replaces isoleucine 1111 with threonine.
Molecular consequence: missense variant.
Genome position (GRCh38, 1-based): chrX:49,215,448, A>G on the plus strand (T>C on the coding strand, the complement: CACNA1F is on the minus strand). VCF-style: chrX-49215448-A-G. GRCh37 (hg19) VCF-style: chrX-49071908-A-G.
Other names: c.3170T>C, p.Ile1057Thr (NM_001256790.3); c.3365T>C, p.Ile1122Thr (NM_005183.4); short protein forms I1057T, I1122T, I1111T.
Identifiers: ClinVar variation 935779 (VCV000935779.9), dbSNP rs2065703060, ClinGen allele CA412963624.

ClinVar aggregate classification (germline): Uncertain significance (1 of 4 stars; one submission).

Submission:

Labcorp Genetics (formerly Invitae), Labcorp
Classification: Uncertain significance. Last evaluated: 2019-09-03. Review status: criteria provided, single submitter. Criteria: Invitae Variant Classification Sherloc (09022015). Collection method: clinical testing. Allele origin: germline.
Comment: In summary, the available evidence is currently insufficient to determine the role of this variant in disease. Therefore, it has been classified as a Variant of Uncertain Significance. Algorithms developed to predict the effect of missense changes on protein structure and function are either unavailable or do not agree on the potential impact of this missense change (SIFT: "Deleterious"; PolyPhen-2: "Benign"; Align-GVGD: "Class C0"). This variant has not been reported in the literature in individuals with CACNA1F-related conditions. This variant is not present in population databases (ExAC no frequency). This sequence change replaces isoleucine with threonine at codon 1122 of the CACNA1F protein (p.Ile1122Thr). The isoleucine residue is highly conserved and there is a moderate physicochemical difference between isoleucine and threonine.